The following is an entry in ClinVar:

ClinVar aggregate classification (germline): Likely benign (0 of 4 stars; one submission).

Conditions:
DPP6-related disorder. Also called: DPP6-related condition.

Allele frequency attached by ClinVar (database versions not stated): gnomAD 0.00014; ExAC 0.00048; 1000 Genomes Project 0.00160; 1000 Genomes Project 30x 0.00187.
gnomAD v4.1: 190 of 1,573,330 alleles (0.012%); highest among the groups gnomAD compares: South Asian, 0.19%; 1 homozygote.

Submission:

PreventionGenetics, part of Exact Sciences
Classification: Likely benign for DPP6-related condition. Last evaluated: 2019-06-28. Review status: no assertion criteria provided. Collection method: clinical testing. Allele origin: germline.
Comment: This variant is classified as likely benign based on ACMG/AMP sequence variant interpretation guidelines (Richards et al. 2015 PMID: 25741868, with internal and published modifications).

NM_130797.4(DPP6):c.458-9C>G

Gene: DPP6 (dipeptidyl peptidase like 6; plus strand). Cytogenetic location: 7q36.2.
Variant type: single nucleotide variant.
Coding change: c.458-9C>G on transcript NM_130797.4 (MANE Select); 9 bases into the intron before coding-DNA position 458, C replaced by G.
Molecular consequence: intron variant.
Genome position (GRCh38, 1-based): chr7:154,540,523, C>G. VCF-style: chr7-154540523-C-G. GRCh37 (hg19) VCF-style: chr7-154237608-C-G.
Other names: c.275-9C>G (NM_001364500.2, NM_001364499.2, NM_001364497.2 and 1 more transcripts); c.266-9C>G (NM_001364501.2, NM_001039350.3); c.458-9C>G (NM_001290253.2); c.272-9C>G (NM_001936.5, NM_001290252.2, NM_001364502.2).
Identifiers: ClinVar variation 3043318 (VCV003043318.2), dbSNP rs528869521, ClinGen allele CA4583103.